The following is an entry in ClinVar:

ClinVar aggregate classification (germline): Pathogenic (1 of 4 stars; one submission).

Conditions:
Neurofibromatosis, type 1 (NF1). Also called: Peripheral type neurofibromatosis; Neurofibromatosis, type I; VON RECKLINGHAUSEN DISEASE; NEUROFIBROMATOSIS, TYPE I, SOMATIC. Identifiers: Orphanet 636, MedGen C0027831, MONDO:0018975, OMIM 162200. Disease mechanism: loss of function.

Submission:

Labcorp Genetics (formerly Invitae), Labcorp
Classification: Pathogenic for Neurofibromatosis, type 1. Last evaluated: 2025-06-20. Review status: criteria provided, single submitter. Criteria: Invitae Variant Classification Sherloc (09022015). Collection method: clinical testing. Allele origin: germline.
Comment: This sequence change creates a premature translational stop signal (p.Leu2095Glufs*5) in the NF1 gene. It is expected to result in an absent or disrupted protein product. Loss-of-function variants in NF1 are known to be pathogenic (PMID: 10712197, 23913538). This variant is not present in population databases (gnomAD no frequency). This variant has not been reported in the literature in individuals affected with NF1-related conditions. ClinVar contains an entry for this variant (Variation ID: 1904980). For these reasons, this variant has been classified as Pathogenic.

Literature cited by the submitters: PubMed 10712197; PubMed 23913538.

NM_001042492.3(NF1):c.6344_6345insAGAG (p.Leu2116fs)

Gene: NF1 (neurofibromin 1; plus strand). Cytogenetic location: 17q11.2.
Variant type: Insertion.
Coding change: c.6344_6345insAGAG on transcript NM_001042492.3 (MANE Select); coding-DNA positions 6344 to 6345, AGAG inserted.
Protein change: p.Leu2116fs; shifts the reading frame from leucine 2116.
Molecular consequence: frameshift variant.
Genome position: GRCh38 VCF-style: chr17-31336831-C-CAGAG. GRCh37 (hg19) VCF-style: chr17-29663849-C-CAGAG.
Other names: c.6281_6282insAGAG, p.Leu2095Glufs (NM_000267.4); short protein forms L2095fs, L2116fs.
Identifiers: ClinVar variation 1904980 (VCV001904980.5), dbSNP rs2508749628, ClinGen allele CA2580093304.